The following is an entry in ClinVar:

ClinVar aggregate classification (germline): Benign/Likely benign. Review status: criteria provided, multiple submitters, no conflicts (2 of 4 stars). 4 submissions from 4 submitters: Benign (2); Likely benign (1). 1 of the submissions does not count toward it. Last evaluated 2026-01-20.

Conditions:
ARSG-related disorder. Also called: ARSG-related condition.

Allele frequency attached by ClinVar (database versions not stated): ExAC 0.00040; gnomAD 0.00117 and 0.00128; ESP Exome Variant Server 0.00131; TOPMed 0.00142; 1000 Genomes Project 30x 0.00172; 1000 Genomes Project 0.00180.
gnomAD v4.1: 317 of 1,614,218 alleles (0.02%); highest among the groups gnomAD compares: African/African-American, 0.39%; no homozygotes.

Submissions (4):

Labcorp Genetics (formerly Invitae), Labcorp
Classification: Benign. Last evaluated: 2026-01-20. Review status: criteria provided, single submitter. Criteria: Invitae Variant Classification Sherloc (09022015). Collection method: clinical testing. Allele origin: germline.

Blueprint Genetics
Classification: Likely benign. Last evaluated: 2024-07-24. Review status: criteria provided, single submitter. Criteria: ACMG Guidelines, 2015. Collection method: clinical testing. Allele origin: germline.

Breakthrough Genomics
Classification: Benign. Review status: criteria provided, single submitter. Criteria: ACMG Guidelines, 2015. Collection method: not provided. Allele origin: germline. Inheritance: Autosomal recessive inheritance. Affected: yes.

PreventionGenetics, part of Exact Sciences
Classification: Likely benign for ARSG-related condition. Last evaluated: 2024-04-04. Review status: no assertion criteria provided. Collection method: clinical testing. Allele origin: germline. Not counted in ClinVar's aggregate classification.
Comment: This variant is classified as likely benign based on ACMG/AMP sequence variant interpretation guidelines (Richards et al. 2015 PMID: 25741868, with internal and published modifications).

NM_001267727.2(ARSG):c.603C>T (p.Leu201=)

Gene: ARSG (arylsulfatase G; plus strand). Cytogenetic location: 17q24.2.
Variant type: single nucleotide variant.
Coding change: c.603C>T on transcript NM_001267727.2 (MANE Select); coding-DNA position 603, C replaced by T.
Protein change: p.Leu201=; no amino-acid change (leucine 201 retained).
Molecular consequence: synonymous variant.
Genome position (GRCh38, 1-based): chr17:68,356,703, C>T. VCF-style: chr17-68356703-C-T. GRCh37 (hg19) VCF-style: chr17-66352844-C-T.
Other names: c.603C>T, p.Leu201= (NM_001352899.2, NM_001352900.2, NM_001352901.2 and 8 more transcripts); c.555C>T, p.Leu185= (NM_001352909.2).
Identifiers: ClinVar variation 768914 (VCV000768914.14), dbSNP rs115207014, ClinGen allele CA8728305.